The following is an entry in ClinVar:

ClinVar aggregate classification (germline): Uncertain significance (1 of 4 stars; one submission).

Allele frequency attached by ClinVar (database versions not stated): gnomAD exomes below 0.00001.
gnomAD v4.1: 1 of 1,512,676 alleles (0.000066%); highest among the groups gnomAD compares: Non-Finnish European, 0.000088%; no homozygotes.

Submission:

GeneDx
Classification: Uncertain significance. Last evaluated: 2022-04-19. Review status: criteria provided, single submitter. Criteria: GeneDx Variant Classification Process June 2021. Collection method: clinical testing. Allele origin: germline. Affected: yes.
Comment: Not observed at significant frequency in large population cohorts (gnomAD); In silico analysis supports that this missense variant does not alter protein structure/function; Has not been previously published as pathogenic or benign to our knowledge

NM_003482.4(KMT2D):c.6551C>A (p.Pro2184His)

Gene: KMT2D (lysine methyltransferase 2D; minus strand). Cytogenetic location: 12q13.12.
Variant type: single nucleotide variant.
Coding change: c.6551C>A on transcript NM_003482.4 (MANE Select); coding-DNA position 6551, C replaced by A.
Protein change: p.Pro2184His; replaces proline 2184 with histidine.
Molecular consequence: missense variant.
Genome position (GRCh38, 1-based): chr12:49,041,219, G>T on the plus strand (C>A on the coding strand, the complement: KMT2D is on the minus strand). VCF-style: chr12-49041219-G-T. GRCh37 (hg19) VCF-style: chr12-49435002-G-T.
Other names: short protein forms P2184H.
Identifiers: ClinVar variation 1711975 (VCV001711975.2), dbSNP rs745605673, ClinGen allele CA6547237.